The following is an entry in ClinVar:

ClinVar aggregate classification (germline): Likely pathogenic (1 of 4 stars; one submission).

Conditions:
Congenital contractures of the limbs and face, hypotonia, and developmental delay (CLIFAHDD). Identifiers: Orphanet 562528, MedGen C4225398, MONDO:0014556, OMIM 616266.

Submission:

Juno Genomics, Hangzhou Juno Genomics, Inc
Classification: Likely pathogenic for Congenital contractures of the limbs and face, hypotonia, and developmental delay. Review status: criteria provided, single submitter. Criteria: ACMG Guidelines, 2015. Collection method: clinical testing. Allele origin: germline. Affected: yes.
Comment: Absent from controls (or at extremely low frequency if recessive) in Genome Aggregation Database, Exome Sequencing Project, 1000 Genomes Project, or Exome Aggregation Consortium.;Multiple lines of computational evidence support a deleterious effect on the gene or gene product (conservation, evolutionary, splicing impact, etc).;De novo (both maternity and paternity confirmed) in a patient with the disease and no family history.

NM_052867.4(NALCN):c.2849T>C (p.Ile950Thr)

Gene: NALCN (sodium leak channel, non-selective; minus strand). Cytogenetic location: 13q33.1.
Variant type: single nucleotide variant.
Coding change: c.2849T>C on transcript NM_052867.4 (MANE Select); coding-DNA position 2849, T replaced by C.
Protein change: p.Ile950Thr; replaces isoleucine 950 with threonine.
Molecular consequence: missense variant.
Genome position (GRCh38, 1-based): chr13:101,104,335, A>G on the plus strand (T>C on the coding strand, the complement: NALCN is on the minus strand). VCF-style: chr13-101104335-A-G. GRCh37 (hg19) VCF-style: chr13-101756686-A-G.
Other names: c.2936T>C, p.Ile979Thr (NM_001350748.2); c.2849T>C, p.Ile950Thr (NM_001350749.2); c.2762T>C, p.Ile921Thr (NM_001350750.2, NM_001350751.2); short protein forms I921T, I950T, I979T.
Identifiers: ClinVar variation 3382536 (VCV003382536.2).
Genomic context (GRCh38, chr13:101,104,335, plus strand): 5'-GGCAATAAGCAAAGACTTACAAGATATATAAATATGTCCATTACTCCACCGAAGTCCCTG[A>G]TGACAGCAGTTGGAGTGAAAAATAAGCCATCTGCCATAATCTTCAGATTAAGCTCAATGC-3'
Protein context (NP_443099.1, residues 940-960): DGLFFTPTAV[Ile950Thr]RDFGGVMDIF